The following is an entry in ClinVar:

NM_000435.3(NOTCH3):c.3475A>G (p.Ile1159Val)

Gene: NOTCH3 (notch receptor 3; minus strand). Cytogenetic location: 19p13.12.
Variant type: single nucleotide variant.
Coding change: c.3475A>G on transcript NM_000435.3 (MANE Select); coding-DNA position 3475, A replaced by G.
Protein change: p.Ile1159Val; replaces isoleucine 1159 with valine.
Molecular consequence: missense variant.
Genome position (GRCh38, 1-based): chr19:15,179,268, T>C on the plus strand (A>G on the coding strand, the complement: NOTCH3 is on the minus strand). VCF-style: chr19-15179268-T-C. GRCh37 (hg19) VCF-style: chr19-15290079-T-C.
Other names: p.Ile1159Val; short protein forms I1159V.
Identifiers: ClinVar variation 1417649 (VCV001417649.9), dbSNP rs1044143019, ClinGen allele CA305769463.

ClinVar aggregate classification (germline): Uncertain significance. Review status: criteria provided, multiple submitters, no conflicts (2 of 4 stars). 2 submissions from 2 submitters: Uncertain significance (2). Last evaluated 2025-04-25.

Allele frequency attached by ClinVar (database versions not stated): gnomAD exomes below 0.00001 and 0.00001; gnomAD 0.00003 and 0.00004; TOPMed 0.00003.
gnomAD v4.1: 21 of 1,613,770 alleles (0.0013%); highest among the groups gnomAD compares: African/African-American, 0.0053%; no homozygotes.

Submissions (2):

Mayo Clinic Laboratories, Mayo Clinic
Classification: Uncertain significance. Last evaluated: 2025-04-25. Review status: criteria provided, single submitter. Criteria: ACMG Guidelines, 2015. Collection method: clinical testing. Allele origin: germline. Observed: 1 variant allele.
Comment: BP1

Labcorp Genetics (formerly Invitae), Labcorp
Classification: Uncertain significance. Last evaluated: 2021-12-03. Review status: criteria provided, single submitter. Criteria: Invitae Variant Classification Sherloc (09022015). Collection method: clinical testing. Allele origin: germline.
Comment: This sequence change replaces isoleucine, which is neutral and non-polar, with valine, which is neutral and non-polar, at codon 1159 of the NOTCH3 protein (p.Ile1159Val). This variant is present in population databases (no rsID available, gnomAD 0.002%). This variant has not been reported in the literature in individuals affected with NOTCH3-related conditions. Advanced modeling of protein sequence and biophysical properties (such as structural, functional, and spatial information, amino acid conservation, physicochemical variation, residue mobility, and thermodynamic stability) performed at Invitae indicates that this missense variant is not expected to disrupt NOTCH3 protein function. Algorithms developed to predict the effect of sequence changes on RNA splicing suggest that this variant may create or strengthen a splice site. In summary, the available evidence is currently insufficient to determine the role of this variant in disease. Therefore, it has been classified as a Variant of Uncertain Significance.